The following is an entry in ClinVar:

ClinVar aggregate classification (germline): Uncertain significance (1 of 4 stars; one submission).

Conditions:
Hereditary cancer-predisposing syndrome. Also called: Neoplastic Syndromes, Hereditary; Tumor predisposition; Hereditary neoplastic syndrome; Hereditary Cancer Syndrome. Identifiers: Orphanet 140162, MedGen C0027672, MeSH D009386, MONDO:0015356.
Cardiovascular phenotype. Identifiers: MedGen CN230736.

Submission:

Ambry Genetics
Classification: Uncertain significance for Cardiovascular phenotype; Hereditary cancer-predisposing syndrome. Last evaluated: 2023-12-18. Review status: criteria provided, single submitter. Criteria: Ambry Variant Classification Scheme 2023. Collection method: clinical testing. Allele origin: germline.
Comment: The p.M713L variant (also known as c.2137A>T), located in coding exon 18 of the LZTR1 gene, results from an A to T substitution at nucleotide position 2137. The methionine at codon 713 is replaced by leucine, an amino acid with highly similar properties. This amino acid position is conserved. In addition, the in silico prediction for this alteration is inconclusive. Since supporting evidence is limited at this time, the clinical significance of this alteration remains unclear.

NM_006767.4(LZTR1):c.2137A>T (p.Met713Leu)

Gene: LZTR1 (leucine zipper like post translational regulator 1; plus strand). Cytogenetic location: 22q11.21.
Variant type: single nucleotide variant.
Coding change: c.2137A>T on transcript NM_006767.4 (MANE Select); coding-DNA position 2137, A replaced by T.
Protein change: p.Met713Leu; replaces methionine 713 with leucine.
Molecular consequence: missense variant.
Genome position (GRCh38, 1-based): chr22:20,996,030, A>T. VCF-style: chr22-20996030-A-T. GRCh37 (hg19) VCF-style: chr22-21350319-A-T.
Other names: short protein forms M713L.
Identifiers: ClinVar variation 3238207 (VCV003238207.1), dbSNP rs1400606234.